The following is an entry in ClinVar:

ClinVar aggregate classification (germline): Benign/Likely benign. Review status: criteria provided, multiple submitters, no conflicts (2 of 4 stars). 8 submissions from 7 submitters: Benign (3); Likely benign (5). Last evaluated 2026-02-02.

Conditions:
Connective tissue disorder. Also called: Connective tissue disease. Identifiers: MedGen C0009782, MONDO:0003900.
Fibrochondrogenesis 2 (FBCG2). Identifiers: Orphanet 2021, MedGen C3281128, MONDO:0013795, OMIM 614524.
Otospondylomegaepiphyseal dysplasia, autosomal recessive (OSMEDB). Also called: Insley-Astley syndrome; CHONDRODYSTROPHY WITH SENSORINEURAL DEAFNESS. Identifiers: Orphanet 1427, MedGen CN034493, MONDO:0044206, OMIM 215150.

Allele frequency attached by ClinVar (database versions not stated): gnomAD 0.00026 and 0.00054; TOPMed 0.00028; gnomAD exomes 0.00041 and 0.00093; ESP Exome Variant Server 0.00047; ExAC 0.00115; 1000 Genomes Project 0.00200; 1000 Genomes Project 30x 0.00234.
gnomAD v4.1: 772 of 1,612,528 alleles (0.048%); highest among the groups gnomAD compares: South Asian, 0.6%; 25 homozygotes.

Submissions (8):

Labcorp Genetics (formerly Invitae), Labcorp
Classification: Benign. Last evaluated: 2026-02-02. Review status: criteria provided, single submitter. Criteria: Invitae Variant Classification Sherloc (09022015). Collection method: clinical testing. Allele origin: germline.

Women's Health and Genetics/Laboratory Corporation of America, LabCorp
Classification: Likely benign. Last evaluated: 2025-11-14. Review status: criteria provided, single submitter. Criteria: LabCorp Variant Classification Summary - May 2015. Collection method: clinical testing. Allele origin: germline.

CeGaT Center for Human Genetics Tuebingen
Classification: Likely benign. Last evaluated: 2024-01-01. Review status: criteria provided, single submitter. Criteria: CeGaT Center For Human Genetics Tuebingen Variant Classification Criteria Version 2. Collection method: clinical testing. Allele origin: germline. Affected: yes. Observed: 1 variant allele.
Comment: COL11A2: BP4, BP7, BS2

Genome Diagnostics Laboratory, The Hospital for Sick Children
Classification: Likely benign for Connective tissue disorder. Last evaluated: 2020-05-01. Review status: criteria provided, single submitter. Criteria: ACMG Guidelines, 2015. Collection method: clinical testing. Allele origin: germline.

GeneDx
Classification: Benign. Last evaluated: 2018-11-26. Review status: criteria provided, single submitter. Criteria: GeneDx Variant Classification Process June 2021. Collection method: clinical testing. Allele origin: germline. Affected: yes.

Illumina Laboratory Services, Illumina
Classification: Likely benign for Otospondylomegaepiphyseal dysplasia, autosomal recessive. Last evaluated: 2018-01-13. Review status: criteria provided, single submitter. Criteria: ICSL Variant Classification Criteria 13 December 2019. Collection method: clinical testing. Allele origin: germline.
Comment: This variant was observed in the ICSL laboratory as part of a predisposition screen in an ostensibly healthy population. It had not been previously curated by ICSL or reported in the Human Gene Mutation Database (HGMD: prior to June 1st, 2018), and was therefore a candidate for classification through an automated scoring system. Utilizing variant allele frequency, disease prevalence and penetrance estimates, and inheritance mode, an automated score was calculated to assess if this variant is too frequent to cause the disease. Based on the score and internal cut-off values, a variant classified as likely benign is not then subjected to further curation. The score for this variant resulted in a classification of likely benign for this disease.

Illumina Laboratory Services, Illumina
Classification: Likely benign for Fibrochondrogenesis 2. Last evaluated: 2018-01-13. Review status: criteria provided, single submitter. Criteria: ICSL Variant Classification Criteria 13 December 2019. Collection method: clinical testing. Allele origin: germline.
Comment: the same text as in the submission from Illumina Laboratory Services, Illumina above.

Laboratory for Molecular Medicine, Mass General Brigham Personalized Medicine
Classification: Benign. Last evaluated: 2015-09-08. Review status: criteria provided, single submitter. Criteria: LMM Criteria. Collection method: clinical testing. Allele origin: germline. Observed: 2 variant alleles.
Comment: p.Gly919Gly in Exon 38 of COL11A2: This variant is not expected to have clinical significance because it does not alter an amino acid residue, is not located wi thin the splice consensus sequence, and has been identified in 0.7% (103/14802) of South Asian chromosomes by the Exome Aggregation Consortium (ExAC; dbSNP rs34478777).

NM_080680.3(COL11A2):c.2757C>T (p.Gly919=)

Gene: COL11A2 (collagen type XI alpha 2 chain; minus strand). Cytogenetic location: 6p21.32.
Variant type: single nucleotide variant.
Coding change: c.2757C>T on transcript NM_080680.3 (MANE Select); coding-DNA position 2757, C replaced by T.
Protein change: p.Gly919=; no amino-acid change (glycine 919 retained).
Molecular consequence: synonymous variant.
Genome position (GRCh38, 1-based): chr6:33,173,093, G>A on the plus strand (C>T on the coding strand, the complement: COL11A2 is on the minus strand). VCF-style: chr6-33173093-G-A. GRCh37 (hg19) VCF-style: chr6-33140870-G-A.
Other names: c.2436C>T, p.Gly812= (NM_080679.3); c.2499C>T, p.Gly833= (NM_080681.3).
Identifiers: ClinVar variation 226534 (VCV000226534.42), dbSNP rs34478777, ClinGen allele CA3750738.